The following is an entry in ClinVar:

ClinVar aggregate classification (germline): Uncertain significance (1 of 4 stars; one submission).

Allele frequency attached by ClinVar (database versions not stated): gnomAD exomes 0.00001; TOPMed 0.00001.
gnomAD v4.1: 12 of 1,551,514 alleles (0.00077%); highest among the groups gnomAD compares: Middle Eastern, 0.017%; no homozygotes.

Submission:

Labcorp Genetics (formerly Invitae), Labcorp
Classification: Uncertain significance. Last evaluated: 2022-07-26. Review status: criteria provided, single submitter. Criteria: Invitae Variant Classification Sherloc (09022015). Collection method: clinical testing. Allele origin: germline.
Comment: In summary, the available evidence is currently insufficient to determine the role of this variant in disease. Therefore, it has been classified as a Variant of Uncertain Significance. Algorithms developed to predict the effect of sequence changes on RNA splicing suggest that this variant may create or strengthen a splice site. Algorithms developed to predict the effect of missense changes on protein structure and function are either unavailable or do not agree on the potential impact of this missense change (SIFT: "Deleterious"; PolyPhen-2: "Possibly Damaging"; Align-GVGD: "Class C0"). This variant has not been reported in the literature in individuals affected with FAM65B-related conditions. The frequency data for this variant in the population databases is considered unreliable, as metrics indicate poor data quality at this position in the gnomAD database. This sequence change replaces glycine, which is neutral and non-polar, with valine, which is neutral and non-polar, at codon 825 of the FAM65B protein (p.Gly825Val).

NM_001286445.3(RIPOR2):c.2411G>T (p.Gly804Val)

Gene: RIPOR2 (RHO family interacting cell polarization regulator 2; minus strand). Cytogenetic location: 6p22.3.
Variant type: single nucleotide variant.
Coding change: c.2411G>T on transcript NM_001286445.3 (MANE Select); coding-DNA position 2411, G replaced by T.
Protein change: p.Gly804Val; replaces glycine 804 with valine.
Molecular consequence: missense variant.
Genome position (GRCh38, 1-based): chr6:24,830,604, C>A on the plus strand (G>T on the coding strand, the complement: RIPOR2 is on the minus strand). VCF-style: chr6-24830604-C-A. GRCh37 (hg19) VCF-style: chr6-24830832-C-A.
Other names: c.2324G>T, p.Gly775Val (NM_001346031.2, NM_001346032.2); c.2474G>T, p.Gly825Val (NM_014722.5); short protein forms G825V, G775V, G804V.
Identifiers: ClinVar variation 2063034 (VCV002063034.4), dbSNP rs1474945868, ClinGen allele CA362990247.